The following is an entry in ClinVar:

ClinVar aggregate classification (germline): Pathogenic (1 of 4 stars; one submission).

Submission:

Labcorp Genetics (formerly Invitae), Labcorp
Classification: Pathogenic. Last evaluated: 2023-11-25. Review status: criteria provided, single submitter. Criteria: Invitae Variant Classification Sherloc (09022015). Collection method: clinical testing. Allele origin: germline.
Comment: This sequence change creates a premature translational stop signal (p.Trp375*) in the NPHS1 gene. It is expected to result in an absent or disrupted protein product. Loss-of-function variants in NPHS1 are known to be pathogenic (PMID: 11317351, 11854170, 12039988). This variant is not present in population databases (gnomAD no frequency). This variant has not been reported in the literature in individuals affected with NPHS1-related conditions. For these reasons, this variant has been classified as Pathogenic.

Literature cited by the submitters: PubMed 11317351; PubMed 11854170; PubMed 12039988.

NM_004646.4(NPHS1):c.1124G>A (p.Trp375Ter)

Gene: NPHS1 (NPHS1 adhesion molecule, nephrin; minus strand). Cytogenetic location: 19q13.12.
Variant type: single nucleotide variant.
Coding change: c.1124G>A on transcript NM_004646.4 (MANE Select); coding-DNA position 1124, G replaced by A.
Protein change: p.Trp375Ter; replaces tryptophan 375 with a stop codon.
Molecular consequence: nonsense.
Genome position (GRCh38, 1-based): chr19:35,848,683, C>T on the plus strand (G>A on the coding strand, the complement: NPHS1 is on the minus strand). VCF-style: chr19-35848683-C-T. GRCh37 (hg19) VCF-style: chr19-36339585-C-T.
Other names: short protein forms W375*.
Identifiers: ClinVar variation 2698885 (VCV002698885.3), dbSNP rs2513777815, ClinGen allele CA405406340.